The following is an entry in ClinVar:

NM_053025.4(MYLK):c.3662C>A (p.Thr1221Asn)

Gene: MYLK (myosin light chain kinase; minus strand). Cytogenetic location: 3q21.1.
Variant type: single nucleotide variant.
Coding change: c.3662C>A on transcript NM_053025.4 (MANE Select); coding-DNA position 3662, C replaced by A.
Protein change: p.Thr1221Asn; replaces threonine 1221 with asparagine.
Molecular consequence: missense variant.
Genome position (GRCh38, 1-based): chr3:123,667,178, G>T on the plus strand (C>A on the coding strand, the complement: MYLK is on the minus strand). VCF-style: chr3-123667178-G-T. GRCh37 (hg19) VCF-style: chr3-123386025-G-T.
Other names: c.3134C>A, p.Thr1045Asn (NM_001321309.2); c.3455C>A, p.Thr1152Asn (NM_053026.4, NM_053028.4); c.3662C>A, p.Thr1221Asn (NM_053027.4); short protein forms T1045N, T1152N, T1221N.
Identifiers: ClinVar variation 4635434 (VCV004635434.1).

ClinVar aggregate classification (germline): Uncertain significance (1 of 4 stars; one submission).

Conditions:
Familial thoracic aortic aneurysm and aortic dissection (TAAD). Also called: Thoracic aortic aneurysms and dissections. Identifiers: Orphanet 91387, MedGen C4707243, MONDO:0019625.

Submission:

Ambry Genetics
Classification: Uncertain significance for Familial thoracic aortic aneurysm and aortic dissection. Last evaluated: 2025-09-17. Review status: criteria provided, single submitter. Criteria: Ambry Variant Classification Scheme 2023. Collection method: clinical testing. Allele origin: germline.
Comment: The p.T1221N variant (also known as c.3662C>A), located in coding exon 18 of the MYLK gene, results from a C to A substitution at nucleotide position 3662. The threonine at codon 1221 is replaced by asparagine, an amino acid with similar properties. This amino acid position is conserved. In addition, this alteration is predicted to be tolerated by in silico analysis. Based on the available evidence, the clinical significance of this variant remains unclear.